The following is an entry in ClinVar:

ClinVar aggregate classification (germline): Uncertain significance (1 of 4 stars; one submission).

Submission:

GeneDx
Classification: Uncertain significance. Last evaluated: 2024-07-17. Review status: criteria provided, single submitter. Criteria: GeneDx Variant Classification Process June 2021. Collection method: clinical testing. Allele origin: germline. Affected: yes.
Comment: Not observed at significant frequency in large population cohorts (gnomAD); In silico analysis supports that this missense variant has a deleterious effect on protein structure/function; Has not been previously published as pathogenic or benign to our knowledge

NM_001846.4(COL4A2):c.2539C>T (p.Pro847Ser)

Gene: COL4A2 (collagen type IV alpha 2 chain; plus strand). Cytogenetic location: 13q34.
Variant type: single nucleotide variant.
Coding change: c.2539C>T on transcript NM_001846.4 (MANE Select); coding-DNA position 2539, C replaced by T.
Protein change: p.Pro847Ser; replaces proline 847 with serine.
Molecular consequence: missense variant.
Genome position (GRCh38, 1-based): chr13:110,478,116, C>T. VCF-style: chr13-110478116-C-T. GRCh37 (hg19) VCF-style: chr13-111130463-C-T.
Other names: short protein forms P847S.
Identifiers: ClinVar variation 1329561 (VCV001329561.3), dbSNP rs2139519248, ClinGen allele CA388726002.